The following is an entry in ClinVar:

NM_022552.5(DNMT3A):c.640-3746C>T

Gene: DNMT3A (DNA methyltransferase 3 alpha; minus strand). Cytogenetic location: 2p23.3.
Variant type: single nucleotide variant.
Coding change: c.640-3746C>T on transcript NM_022552.5 (MANE Select); 3746 bases into the intron before coding-DNA position 640, C replaced by T.
Molecular consequence: intron variant. On other transcripts: missense variant (1).
Genome position (GRCh38, 1-based): chr2:25,251,998, G>A on the plus strand (C>T on the coding strand, the complement: DNMT3A is on the minus strand). VCF-style: chr2-25251998-G-A. GRCh37 (hg19) VCF-style: chr2-25474867-G-A.
Other names: c.97C>T, p.Pro33Ser (NM_001320893.1); c.640-3746C>T (NM_175629.2); c.4+196C>T (NM_153759.3); c.-31+196C>T (NM_001375819.1); short protein forms P33S.
Identifiers: ClinVar variation 3349457 (VCV003349457.1).

ClinVar aggregate classification (germline): Uncertain significance (0 of 4 stars; one submission).

Conditions:
DNMT3A-related disorder. Also called: DNMT3A-related condition; DNMT3A-related disorders.

Submission:

PreventionGenetics, part of Exact Sciences
Classification: Uncertain significance for DNMT3A-related condition. Last evaluated: 2024-01-19. Review status: no assertion criteria provided. Collection method: clinical testing. Allele origin: germline.
Comment: The DNMT3A c.97C>T variant is predicted to result in the amino acid substitution p.Pro33Ser. To our knowledge, this variant has not been reported in the literature or in a large population database, indicating this variant is rare. At this time, the clinical significance of this variant is uncertain due to the absence of conclusive functional and genetic evidence.